The following is an entry in ClinVar:

NM_000093.5(COL5A1):c.3905del (p.Pro1302fs)

Gene: COL5A1 (collagen type V alpha 1 chain; plus strand). Cytogenetic location: 9q34.3.
Variant type: Deletion.
Coding change: c.3905del on transcript NM_000093.5 (MANE Select); coding-DNA position 3905, one base deleted (C; older notation c.3905delC).
Protein change: p.Pro1302fs; shifts the reading frame from proline 1302.
Molecular consequence: frameshift variant.
Genome position (GRCh38, 1-based): chr9:134,814,035, C deleted; the last of 6 consecutive C bases (chr9:134,814,030-134,814,035); deleting any one gives the same sequence. VCF-style (leftmost placement, unchanged base first): chr9-134814029-GC-G. GRCh37 (hg19) VCF-style: chr9-137705875-GC-G.
Other names: c.3905del, p.Pro1302fs (NM_001278074.1); short protein forms P1302fs.
Identifiers: ClinVar variation 1071310 (VCV001071310.7), dbSNP rs1564477140, ClinGen allele CA918574113.

ClinVar aggregate classification (germline): Pathogenic (1 of 4 stars; one submission).

Submission:

GeneDx
Classification: Pathogenic. Last evaluated: 2022-07-14. Review status: criteria provided, single submitter. Criteria: GeneDx Variant Classification Process June 2021. Collection method: clinical testing. Allele origin: germline. Affected: yes.
Comment: Frameshift variant predicted to result in protein truncation or nonsense mediated decay in a gene for which loss of function is a known mechanism of disease; Not observed at significant frequency in large population cohorts (gnomAD); This variant is associated with the following publications: (PMID: 28485813)